The following is an entry in ClinVar:

NM_020778.5(ALPK3):c.3864C>T (p.Ala1288=)

Gene: ALPK3 (alpha kinase 3; plus strand). Cytogenetic location: 15q25.3.
Variant type: single nucleotide variant.
Coding change: c.3864C>T on transcript NM_020778.5 (MANE Select); coding-DNA position 3864, C replaced by T.
Protein change: p.Ala1288=; no amino-acid change (alanine 1288 retained).
Molecular consequence: synonymous variant.
Genome position (GRCh38, 1-based): chr15:84,859,289, C>T. VCF-style: chr15-84859289-C-T. GRCh37 (hg19) VCF-style: chr15-85402520-C-T.
Identifiers: ClinVar variation 1565312 (VCV001565312.12), dbSNP rs770514017, ClinGen allele CA7709752.

ClinVar aggregate classification (germline): Likely benign. Review status: criteria provided, multiple submitters, no conflicts (2 of 4 stars). 3 submissions from 3 submitters: Likely benign (3). Last evaluated 2026-03-27.

Conditions:
Cardiovascular phenotype. Identifiers: MedGen CN230736.

Allele frequency attached by ClinVar (database versions not stated): ExAC 0.00001; gnomAD 0.00002 and 0.00001; TOPMed 0.00002; gnomAD exomes 0.00002.
gnomAD v4.1: 68 of 1,614,052 alleles (0.0042%); highest among the groups gnomAD compares: Non-Finnish European, 0.0053%; no homozygotes.

Submissions (3):

Molecular Diagnostic Laboratory for Inherited Cardiovascular Disease, Montreal Heart Institute
Classification: Likely benign. Last evaluated: 2026-03-27. Review status: criteria provided, single submitter. Criteria: ACMG Guidelines, 2015. Collection method: clinical testing. Allele origin: germline. Affected: no.
Comment: BP7

Labcorp Genetics (formerly Invitae), Labcorp
Classification: Likely benign. Last evaluated: 2024-10-30. Review status: criteria provided, single submitter. Criteria: Invitae Variant Classification Sherloc (09022015). Collection method: clinical testing. Allele origin: germline.

Ambry Genetics
Classification: Likely benign for Cardiovascular phenotype. Last evaluated: 2021-03-18. Review status: criteria provided, single submitter. Criteria: Ambry Variant Classification Scheme 2023. Collection method: clinical testing. Allele origin: germline.